The following is an entry in ClinVar:

NM_001077350.3(NPRL3):c.646G>A (p.Val216Ile)

Genes: HBA-LCR (alpha-globin locus control region; plus strand), NPRL3 (NPR3 like, GATOR1 complex subunit; minus strand). Cytogenetic location: 16p13.3.
Variant type: single nucleotide variant.
Coding change: c.646G>A on transcript NM_001077350.3 (MANE Select); coding-DNA position 646, G replaced by A.
Protein change: p.Val216Ile; replaces valine 216 with isoleucine.
Molecular consequence: missense variant.
Genome position (GRCh38, 1-based): chr16:100,493, C>T on the plus strand (G>A on the coding strand, the complement: NPRL3 is on the minus strand). VCF-style: chr16-100493-C-T. GRCh37 (hg19) VCF-style: chr16-150491-C-T.
Other names: c.109G>A, p.Val37Ile (NM_001039476.3); c.412G>A, p.Val138Ile (NM_001243247.2); c.571G>A, p.Val191Ile (NM_001243248.2, NM_001243249.2); short protein forms V138I, V191I, V216I, V37I.
Identifiers: ClinVar variation 2398578 (VCV002398578.7), dbSNP rs747266609, ClinGen allele CA7769582.

ClinVar aggregate classification (germline): Uncertain significance. Review status: criteria provided, multiple submitters, no conflicts (2 of 4 stars). 3 submissions from 3 submitters: Uncertain significance (3). Last evaluated 2026-02-01.

Conditions:
Inborn genetic diseases. Identifiers: MedGen C0950123, MeSH D030342.

Allele frequency attached by ClinVar (database versions not stated): gnomAD 0.00001; ExAC 0.00002; gnomAD exomes 0.00002.
gnomAD v4.1: 24 of 1,586,478 alleles (0.0015%); highest among the groups gnomAD compares: South Asian, 0.016%; no homozygotes.

Submissions (3):

CeGaT Center for Human Genetics Tuebingen
Classification: Uncertain significance. Last evaluated: 2026-02-01. Review status: criteria provided, single submitter. Criteria: CeGaT Center For Human Genetics Tuebingen Variant Classification Criteria Version 2. Collection method: clinical testing. Allele origin: germline. Affected: yes. Observed: 1 variant allele.
Comment: NPRL3: PM2:Supporting, BP4

Blueprint Genetics
Classification: Uncertain significance. Last evaluated: 2023-09-13. Review status: criteria provided, single submitter. Criteria: ACMG Guidelines, 2015. Collection method: clinical testing. Allele origin: germline.

Ambry Genetics
Classification: Uncertain significance for Inborn genetic diseases. Last evaluated: 2021-07-20. Review status: criteria provided, single submitter. Criteria: Ambry Variant Classification Scheme 2023. Collection method: clinical testing. Allele origin: germline.